The following is an entry in ClinVar:

ClinVar aggregate classification (germline): Benign/Likely benign. Review status: criteria provided, multiple submitters, no conflicts (2 of 4 stars). 4 submissions from 4 submitters: Benign (1); Likely benign (3). Last evaluated 2024-11-24.

Conditions:
Hereditary cancer-predisposing syndrome. Also called: Hereditary Cancer Syndrome; Neoplastic Syndromes, Hereditary; Tumor predisposition; Hereditary neoplastic syndrome. Identifiers: Orphanet 140162, MedGen C0027672, MeSH D009386, MONDO:0015356.
Hereditary diffuse gastric adenocarcinoma (HDGC). Also called: DIFFUSE GASTRIC AND LOBULAR BREAST CANCER SYNDROME. Identifiers: Orphanet 26106, MedGen C1708349, MONDO:0007648, OMIM 137215.

Submissions (4):

Labcorp Genetics (formerly Invitae), Labcorp
Classification: Likely benign for Hereditary diffuse gastric adenocarcinoma. Last evaluated: 2024-11-24. Review status: criteria provided, single submitter. Criteria: Invitae Variant Classification Sherloc (09022015). Collection method: clinical testing. Allele origin: germline.

Myriad Genetics, Inc.
Classification: Benign for Hereditary diffuse gastric adenocarcinoma. Last evaluated: 2024-09-19. Review status: criteria provided, single submitter. Criteria: Myriad Autosomal Dominant, Autosomal Recessive and X-Linked Classification Criteria (2023). Collection method: clinical testing. Allele origin: unknown.
Comment: This variant is considered benign. This variant is a silent/synonymous amino acid change and it is not expected to impact splicing.

Color Diagnostics, LLC DBA Color Health
Classification: Likely benign for Hereditary cancer-predisposing syndrome. Last evaluated: 2024-08-19. Review status: criteria provided, single submitter. Criteria: ACMG Guidelines, 2015. Collection method: clinical testing. Allele origin: germline.

Ambry Genetics
Classification: Likely benign for Hereditary cancer-predisposing syndrome. Last evaluated: 2014-11-14. Review status: criteria provided, single submitter. Criteria: Ambry Variant Classification Scheme 2023. Collection method: clinical testing. Allele origin: germline.

NM_004360.5(CDH1):c.1728T>C (p.Thr576=)

Gene: CDH1 (cadherin 1; plus strand). Cytogenetic location: 16q22.1.
Variant type: single nucleotide variant.
Coding change: c.1728T>C on transcript NM_004360.5 (MANE Select); coding-DNA position 1728, T replaced by C.
Protein change: p.Thr576=; no amino-acid change (threonine 576 retained).
Molecular consequence: synonymous variant. On other transcripts: 5 prime UTR variant (1).
Genome position (GRCh38, 1-based): chr16:68,822,017, T>C. VCF-style: chr16-68822017-T-C. GRCh37 (hg19) VCF-style: chr16-68855920-T-C.
Other names: c.1728T>C (LRG_301t1); c.1545T>C, p.Thr515= (NM_001317184.2); c.180T>C, p.Thr60= (NM_001317185.2); c.-238T>C (NM_001317186.2).
Identifiers: ClinVar variation 187170 (VCV000187170.18), dbSNP rs786203525, ClinGen allele CA196914.
Genomic context (GRCh38, chr16:68,822,017, plus strand): 5'-TTACTGTTGCCAAGCTGCCACATTTTCTGTGTATTTTCTCTTAGGTTCTCCAGTTGCTAC[T>C]GGAACAGGGACACTTCTGCTGATCCTGTCTGATGTGAATGACAACGCCCCCATACCAGAA-3'
Protein context (NP_004351.1, residues 566-586): IATDNGSPVA[Thr576=]GTGTLLLILS